The following is an entry in ClinVar:

ClinVar aggregate classification (germline): Likely benign. Review status: criteria provided, multiple submitters, no conflicts (2 of 4 stars). 2 submissions from 2 submitters: Likely benign (2). Last evaluated 2025-09-13.

Conditions:
Charcot-Marie-Tooth disease type 2E (CMT2E). Also called: CHARCOT-MARIE-TOOTH DISEASE, AXONAL, TYPE 2E; CHARCOT-MARIE-TOOTH NEUROPATHY, TYPE 2E. Identifiers: Orphanet 99939, MedGen C1843225, MONDO:0011894, OMIM 607684.

Allele frequency attached by ClinVar (database versions not stated): ExAC 0.00001; TOPMed 0.00001; gnomAD 0.00002; gnomAD exomes 0.00002 and 0.00006.

Submissions (2):

Labcorp Genetics (formerly Invitae), Labcorp
Classification: Likely benign for Charcot-Marie-Tooth disease type 2E. Last evaluated: 2025-09-13. Review status: criteria provided, single submitter. Criteria: Invitae Variant Classification Sherloc (09022015). Collection method: clinical testing. Allele origin: germline.

GeneDx
Classification: Likely benign. Last evaluated: 2016-12-12. Review status: criteria provided, single submitter. Criteria: GeneDx Variant Classification (06012015). Collection method: clinical testing. Allele origin: germline. Affected: yes.
Comment: This variant is considered likely benign or benign based on one or more of the following criteria: it is a conservative change, it occurs at a poorly conserved position in the protein, it is predicted to be benign by multiple in silico algorithms, and/or has population frequency not consistent with disease.

NM_006158.5(NEFL):c.1011G>A (p.Glu337=)

Gene: NEFL (neurofilament light chain; minus strand). Cytogenetic location: 8p21.2.
Variant type: single nucleotide variant.
Coding change: c.1011G>A on transcript NM_006158.5 (MANE Select); coding-DNA position 1011, G replaced by A.
Protein change: p.Glu337=; no amino-acid change (glutamic acid 337 retained).
Molecular consequence: synonymous variant.
Genome position (GRCh38, 1-based): chr8:24,955,505, C>T on the plus strand (G>A on the coding strand, the complement: NEFL is on the minus strand). VCF-style: chr8-24955505-C-T. GRCh37 (hg19) VCF-style: chr8-24813019-C-T.
Identifiers: ClinVar variation 391530 (VCV000391530.10), dbSNP rs761206907, ClinGen allele CA4681399.